The following is an entry in ClinVar:

ClinVar aggregate classification (germline): Pathogenic. Review status: criteria provided, multiple submitters, no conflicts (2 of 4 stars). 10 submissions from 10 submitters: Pathogenic (9). 1 of the submissions does not count toward it. Last evaluated 2025-10-05.

Conditions:
SATB2-related disorder. Also called: SATB2-related condition.
SATB2 associated disorder. Identifiers: Orphanet 576278, MedGen CN294806, MONDO:0100147.
Inborn genetic diseases. Identifiers: MedGen C0950123, MeSH D030342.
Chromosome 2q32-q33 deletion syndrome (GLASS). Also called: Glass syndrome; 2q33.1 deletion syndrome. Identifiers: Orphanet 251019, MedGen C2676739, MONDO:0012864, OMIM 612313.

Submissions (10):

Clinical Biomedical Laboratory, Shriners Hospital For Children - Canada
Classification: Pathogenic for Chromosome 2q32-q33 deletion syndrome. Last evaluated: 2025-10-05. Review status: criteria provided, single submitter. Criteria: ACMG Guidelines, 2015. Collection method: clinical testing. Allele origin: germline. Affected: yes.
Comment: This variant is predicted to substitute an arginine residue by a stop codon. This is expected to lead to degradation of the affected transcript. Heterozygous premature stop codons in SATB2 are associated with Glass syndrome, which has overlap with the phenotype reported for the proband (PMID 28151491). This variant is absent from the Genome Aggregation Database (v2.1.1). The variant has been reported in the literature as a cause of Glass syndrome multiple times (e.g., PMID 37786328).

Department of Genetics, HCU Lozano Blesa
Classification: Pathogenic for Chromosome 2q32-q33 deletion syndrome. Last evaluated: 2025-08-05. Review status: criteria provided, single submitter. Criteria: ACMG Guidelines 2015. Collection method: clinical testing. Allele origin: de novo. Inheritance: Autosomal dominant inheritance. Affected: yes. Observed: 1 variant allele, 1 heterozygote.
Comment: The c.847C>T (p.Arg283X) variant in the SATB2 gene (NM_001172509) should be classified as pathogenic based on the following criteria (ACMG): - The variant is not reported in population databases (GnomAD) (criterion PM2). - This change generates a premature stop codon, which is expected to result in the synthesis of a truncated protein or absence of protein. The creation of a null variant with loss of protein function is a known disease mechanism in the SATB2 gene (criterion PVS1). - This variant is classified as pathogenic in the clinical databases consulted (criterion PP5).

3billion
Classification: Pathogenic for Chromosome 2q32-q33 deletion syndrome. Last evaluated: 2024-12-16. Review status: criteria provided, single submitter. Criteria: ACMG Guidelines, 2015. Collection method: clinical testing. Allele origin: germline. Affected: yes.
Comment: The variant is not observed in the gnomAD v4.1.0 dataset. Predicted Consequence/Location: Stop-gained (nonsense): predicted to result in a loss or disruption of normal protein function through nonsense-mediated decay (NMD) or protein truncation. Multiple pathogenic variants are reported downstream of the variant. The variant has been reported at least twice as pathogenic with clinical assertions and evidence for the classification (ClinVar ID: VCV000208673 /PMID: 25885067 /3billion dataset). Therefore, this variant is classified as Pathogenic according to the recommendation of ACMG/AMP guideline.

GeneDx
Classification: Pathogenic. Last evaluated: 2023-07-10. Review status: criteria provided, single submitter. Criteria: GeneDx Variant Classification Process June 2021. Collection method: clinical testing. Allele origin: germline. Affected: yes.
Comment: Nonsense variant predicted to result in protein truncation or nonsense mediated decay in a gene for which loss-of-function is a known mechanism of disease; Not observed in large population cohorts (gnomAD); This variant is associated with the following publications: (PMID: 25885067, 25356970, 28139846, 31130284, 30575289, 33144682, 33726816, 26944241)

PreventionGenetics, part of Exact Sciences
Classification: Pathogenic for SATB2-related condition. Last evaluated: 2023-04-26. Review status: criteria provided, single submitter. Criteria: ACMG Guidelines, 2015. Collection method: clinical testing. Allele origin: germline.
Comment: The SATB2 c.847C>T variant is predicted to result in premature protein termination (p.Arg283*). This variant has been previously reported in the heterozygous state and as a de novo variant in individuals with SATB2-associated phenotype(s) or syndrome (Patient 5, Zarate et al. 2015. PubMed ID: 25885067; Supplementary Table 3, Farwell et al. 2015. PubMed ID: 25356970; Kikuiri et al. 2018. PubMed ID: 30575289; Table S1, Monies et al. 2019. PubMed ID: 31130284). This variant has not been reported in a large population database, indicating this variant is rare. Nonsense variants in SATB2 are expected to be pathogenic. This variant is interpreted as pathogenic.

Labcorp Genetics (formerly Invitae), Labcorp
Classification: Pathogenic for Chromosome 2q32-q33 deletion syndrome. Last evaluated: 2022-08-11. Review status: criteria provided, single submitter. Criteria: Invitae Variant Classification Sherloc (09022015). Collection method: clinical testing. Allele origin: germline.
Comment: For these reasons, this variant has been classified as Pathogenic. ClinVar contains an entry for this variant (Variation ID: 208673). This premature translational stop signal has been observed in individual(s) with SATB2-related conditions (PMID: 25356970, 25885067). In at least one individual the variant was observed to be de novo. This variant is not present in population databases (gnomAD no frequency). This sequence change creates a premature translational stop signal (p.Arg283*) in the SATB2 gene. It is expected to result in an absent or disrupted protein product. Loss-of-function variants in SATB2 are known to be pathogenic (PMID: 25885067).

Victorian Clinical Genetics Services, Murdoch Childrens Research Institute
Classification: Pathogenic for SATB2 associated disorder. Last evaluated: 2020-10-19. Review status: criteria provided, single submitter. Criteria: ACMG Guidelines, 2015. Collection method: clinical testing. Allele origin: germline. Inheritance: Autosomal dominant inheritance. Affected: yes.
Comment: Based on the classification scheme VCGS_Germline_v1.1.1, this variant is classified as Pathogenic. Following criteria are met: 0102 - Loss-of-function is a known mechanism of disease for this gene. (N) 0107 - This gene is known to be associated with autosomal dominant disease. (N) 0201 - Variant is predicted to cause nonsense-mediated decay (NMD) and loss of protein (exon 7 of 12). (P) 0251 - Variant is heterozygous. (N) 0301 - Variant is absent from gnomAD. (P) 0701 - Comparable variants have very strong previous evidence for pathogenicity. Other variants predicted to cause NMD in this gene have been reported in ClinVar as pathogenic. (P) 0801 - Strong previous evidence of pathogenicity in unrelated individuals. The variant has been previously reported as pathogenic in patients with SATB2-associated syndrome (ClinVar, PMID: 25885067, 25356970, 30575289). (P) 1208 - Inheritance information for this variant is not currently available. (N) Legend: (P) - Pathogenic, (N) - Neutral, (B) - Benign

Blueprint Genetics
Classification: Pathogenic for SATB2-related disorders. Last evaluated: 2019-04-10. Review status: criteria provided, single submitter. Criteria: ACMG Guidelines, 2015. Collection method: clinical testing. Allele origin: germline. Affected: yes. Observed: 1 variant allele.

Ambry Genetics
Classification: Pathogenic for Inborn genetic diseases. Last evaluated: 2014-06-06. Review status: criteria provided, single submitter. Criteria: Ambry exome assertion method (8-5-2015). Collection method: clinical testing. Allele origin: germline. Affected: yes. Observed: 2 variant alleles.

GeneReviews
No classification provided. Condition: Chromosome 2q32-q33 deletion syndrome. Review status: no classification provided. Collection method: literature only. Allele origin: de novo. Not counted in ClinVar's aggregate classification.

Literature cited by the submitters: PubMed 37786328 (cited by Clinical Biomedical Laboratory, Shriners Hospital For Children - Canada); PubMed 25885067 (cited by 4 submitters); PubMed 25356970 (cited by 3 submitters); PubMed 30575289 (cited by Victorian Clinical Genetics Services, Murdoch Childrens Research Institute); PubMed 28139846 (cited by Ambry Genetics); PubMed 26944241 (cited by Ambry Genetics); NCBI Bookshelf NBK458647 (cited by GeneReviews); PubMed 29023086 (cited by GeneReviews).

NM_001172509.2(SATB2):c.847C>T (p.Arg283Ter)

Gene: SATB2 (SATB homeobox 2; minus strand). Cytogenetic location: 2q33.1.
Variant type: single nucleotide variant.
Coding change: c.847C>T on transcript NM_001172509.2 (MANE Select); coding-DNA position 847, C replaced by T.
Protein change: p.Arg283Ter; replaces arginine 283 with a stop codon.
Molecular consequence: nonsense.
Genome position (GRCh38, 1-based): chr2:199,349,027, G>A on the plus strand (C>T on the coding strand, the complement: SATB2 is on the minus strand). VCF-style: chr2-199349027-G-A. GRCh37 (hg19) VCF-style: chr2-200213750-G-A.
Other names: c.847C>T, p.Arg283Ter (NM_001172517.1, NM_015265.4); short protein forms R283*.
Identifiers: ClinVar variation 208673 (VCV000208673.24), dbSNP rs797044874, ClinGen allele CA204650.
Genomic context (GRCh38, chr2:199,349,027, plus strand): 5'-TAAGCTGGGGAGAAAGAAGACCAGGGCTCATGATGGGCTGTAATGCGGGCACTTGGTTTC[G>A]GATTGGAGTACTGTGGTGAATTTGGCTGTGAGGAGACTGTTCGTTGGTTTTCCCCAGGGA-3'